The following is an entry in ClinVar:

ClinVar aggregate classification (germline): Likely benign. Review status: criteria provided, multiple submitters, no conflicts (2 of 4 stars). 3 submissions from 3 submitters: Likely benign (3). Last evaluated 2026-04-01.

Conditions:
3-methylglutaconic aciduria with deafness, encephalopathy, and Leigh-like syndrome (MEGDEL). Also called: SERAC1 Deficiency; 3-METHYLGLUTACONIC ACIDURIA, TYPE VI; MEGDEL syndrome. Identifiers: Orphanet 352328, MedGen C4040739, MONDO:0013875, OMIM 614739.

Allele frequency attached by ClinVar (database versions not stated): ESP Exome Variant Server 0.00008; TOPMed 0.00009; gnomAD 0.00011 and 0.00013; ExAC 0.00012; gnomAD exomes 0.00012; 1000 Genomes Project 30x 0.00016; 1000 Genomes Project 0.00020.
gnomAD v4.1: 186 of 1,613,966 alleles (0.012%); highest among the groups gnomAD compares: Non-Finnish European, 0.015%; 1 homozygote.

Submissions (3):

CeGaT Center for Human Genetics Tuebingen
Classification: Likely benign. Last evaluated: 2026-04-01. Review status: criteria provided, single submitter. Criteria: CeGaT Center For Human Genetics Tuebingen Variant Classification Criteria Version 2. Collection method: clinical testing. Allele origin: germline. Affected: yes. Observed: 1 variant allele.
Comment: SERAC1: BP4, BP7

Labcorp Genetics (formerly Invitae), Labcorp
Classification: Likely benign for 3-methylglutaconic aciduria with deafness, encephalopathy, and Leigh-like syndrome. Last evaluated: 2025-06-22. Review status: criteria provided, single submitter. Criteria: Invitae Variant Classification Sherloc (09022015). Collection method: clinical testing. Allele origin: germline.

Blueprint Genetics
Classification: Likely benign. Last evaluated: 2024-06-06. Review status: criteria provided, single submitter. Criteria: ACMG Guidelines, 2015. Collection method: clinical testing. Allele origin: germline.

NM_032861.4(SERAC1):c.1413T>C (p.Ile471=)

Gene: SERAC1 (serine active site containing 1; minus strand). Cytogenetic location: 6q25.3.
Variant type: single nucleotide variant.
Coding change: c.1413T>C on transcript NM_032861.4 (MANE Select); coding-DNA position 1413, T replaced by C.
Protein change: p.Ile471=; no amino-acid change (isoleucine 471 retained).
Molecular consequence: synonymous variant. On other transcripts: non-coding transcript variant (1).
Genome position (GRCh38, 1-based): chr6:158,116,273, A>G on the plus strand (T>C on the coding strand, the complement: SERAC1 is on the minus strand). VCF-style: chr6-158116273-A-G. GRCh37 (hg19) VCF-style: chr6-158537305-A-G.
Identifiers: ClinVar variation 1668572 (VCV001668572.11), dbSNP rs144641679, ClinGen allele CA4071072.